The following is an entry in ClinVar:

ClinVar aggregate classification (germline): Uncertain significance (1 of 4 stars; one submission).

Allele frequency attached by ClinVar (database versions not stated): gnomAD exomes below 0.00001; ExAC 0.00001.
gnomAD v4.1: 1 of 1,613,354 alleles (0.000062%); highest among the groups gnomAD compares: Non-Finnish European, 0.000085%; no homozygotes.

Submission:

GeneDx
Classification: Uncertain significance. Last evaluated: 2022-06-09. Review status: criteria provided, single submitter. Criteria: GeneDx Variant Classification Process June 2021. Collection method: clinical testing. Allele origin: germline. Affected: yes.
Comment: Not observed at significant frequency in large population cohorts (gnomAD); In silico analysis supports that this missense variant has a deleterious effect on protein structure/function; Has not been previously published as pathogenic or benign to our knowledge

NM_000122.2(ERCC3):c.1807A>T (p.Asn603Tyr)

Gene: ERCC3 (ERCC excision repair 3, TFIIH core complex helicase subunit; minus strand). Cytogenetic location: 2q14.3.
Variant type: single nucleotide variant.
Coding change: c.1807A>T on transcript NM_000122.2 (MANE Select); coding-DNA position 1807, A replaced by T.
Protein change: p.Asn603Tyr; replaces asparagine 603 with tyrosine.
Molecular consequence: missense variant.
Genome position (GRCh38, 1-based): chr2:127,272,885, T>A on the plus strand (A>T on the coding strand, the complement: ERCC3 is on the minus strand). VCF-style: chr2-127272885-T-A. GRCh37 (hg19) VCF-style: chr2-128030461-T-A.
Other names: c.1615A>T, p.Asn539Tyr (NM_001303416.2, NM_001303418.2); short protein forms N539Y, N603Y.
Identifiers: ClinVar variation 1803644 (VCV001803644.1), dbSNP rs765199734, ClinGen allele CA1858175.